The following is an entry in ClinVar:

ClinVar aggregate classification (germline): Uncertain significance. Review status: criteria provided, multiple submitters, no conflicts (2 of 4 stars). 2 submissions from 2 submitters: Uncertain significance (2). Last evaluated 2021-07-27.

Conditions:
Inborn genetic diseases. Identifiers: MedGen C0950123, MeSH D030342.
Renal tubular acidosis, distal, 4, with hemolytic anemia. Also called: Renal Tubular Acidosis, Distal, with Hemolytic Anemia. Identifiers: Orphanet 93610, MedGen C5436235, MONDO:0012700, OMIM 611590.

Allele frequency attached by ClinVar (database versions not stated): gnomAD 0.00001; gnomAD exomes 0.00001; TOPMed 0.00001; ExAC 0.00002.
gnomAD v4.1: 18 of 1,613,948 alleles (0.0011%); highest among the groups gnomAD compares: Admixed American, 0.005%; no homozygotes.

Submissions (2):

Ambry Genetics
Classification: Uncertain significance for Inborn genetic diseases. Last evaluated: 2021-07-27. Review status: criteria provided, single submitter. Criteria: Ambry Variant Classification Scheme 2023. Collection method: clinical testing. Allele origin: germline.

Neuberg Centre For Genomic Medicine, NCGM
Classification: Uncertain significance for Renal tubular acidosis, distal, 4, with hemolytic anemia. Review status: criteria provided, single submitter. Criteria: ACMG Guidelines, 2015. Collection method: clinical testing. Allele origin: germline. Inheritance: Autosomal recessive inheritance. Affected: yes.
Comment: The missense variant in c.2131G>A (p.Gly711Ser) in SLC4A1 gene has not been reported previously as a pathogenic variant nor as a benign variant, to our knowledge. The p.Gly711Ser variant is reported with the allele frequency of 002790% in gnomAD and is novel (not in any individuals) in 1000 Genomes. The amino acid Gly at position 711 is changed to a Ser changing protein sequence and it might alter its composition and physico-chemical properties. The variant is predicted to be tolerated by both SIFT and PolyPhen2. The residue is conserved across species. The amino acid change p.Gly711Ser in SLC4A1 is predicted as conserved by GERP++ and PhyloP across 100 vertebrates. For these reasons, this variant has been classified as Uncertain Significance.

NM_000342.4(SLC4A1):c.2131G>A (p.Gly711Ser)

Gene: SLC4A1 (solute carrier family 4 member 1 (Diego blood group); minus strand). Cytogenetic location: 17q21.31.
Variant type: single nucleotide variant.
Coding change: c.2131G>A on transcript NM_000342.4 (MANE Select); coding-DNA position 2131, G replaced by A.
Protein change: p.Gly711Ser; replaces glycine 711 with serine.
Molecular consequence: missense variant.
Genome position (GRCh38, 1-based): chr17:44,253,298, C>T on the plus strand (G>A on the coding strand, the complement: SLC4A1 is on the minus strand). VCF-style: chr17-44253298-C-T. GRCh37 (hg19) VCF-style: chr17-42330666-C-T.
Other names: short protein forms G711S.
Identifiers: ClinVar variation 2224011 (VCV002224011.2), dbSNP rs766559569, ClinGen allele CA8600108.